The following is an entry in ClinVar:

NM_016529.6(ATP8A2):c.3075A>G (p.Lys1025=)

Gene: ATP8A2 (ATPase phospholipid transporting 8A2). Cytogenetic location: 13q12.13.
Variant type: single nucleotide variant.
Coding change: c.3075A>G on transcript NM_016529.6 (MANE Select); coding-DNA position 3075, A replaced by G.
Protein change: p.Lys1025=; no amino-acid change (lysine 1025 retained).
Molecular consequence: synonymous variant.
Genome position (GRCh38, 1-based): chr13:25,860,860, A>G. VCF-style: chr13-25860860-A-G. GRCh37 (hg19) VCF-style: chr13-26434998-A-G.
Other names: p.Lys1025=; c.2880A>G, p.Lys960= (NM_001313741.1).
Identifiers: ClinVar variation 218739 (VCV000218739.54), dbSNP rs62636611, ClinGen allele CA249114.

ClinVar aggregate classification (germline): Benign/Likely benign. Review status: criteria provided, multiple submitters, no conflicts (2 of 4 stars). 8 submissions from 8 submitters: Benign (1); Likely benign (7). Last evaluated 2026-09-01.

Allele frequency attached by ClinVar (database versions not stated): 1000 Genomes Project 30x 0.00156; 1000 Genomes Project 0.00160; gnomAD exomes 0.00304 and 0.00398; gnomAD 0.00322 and 0.00327; TOPMed 0.00322; ESP Exome Variant Server 0.00382; ExAC 0.00425.
gnomAD v4.1: 6,229 of 1,584,032 alleles (0.39%); highest among the groups gnomAD compares: Non-Finnish European, 0.46%; 21 homozygotes.

Submissions (8):

CeGaT Center for Human Genetics Tuebingen
Classification: Likely benign. Last evaluated: 2026-09-01. Review status: criteria provided, single submitter. Criteria: CeGaT Center For Human Genetics Tuebingen Variant Classification Criteria Version 2. Collection method: clinical testing. Allele origin: germline. Affected: yes. Observed: 31 variant alleles.
Comment: ATP8A2: BP4, BP7, BS2

Labcorp Genetics (formerly Invitae), Labcorp
Classification: Likely benign. Last evaluated: 2026-01-14. Review status: criteria provided, single submitter. Criteria: Invitae Variant Classification Sherloc (09022015). Collection method: clinical testing. Allele origin: germline.

Blueprint Genetics
Classification: Likely benign. Last evaluated: 2024-11-25. Review status: criteria provided, single submitter. Criteria: ACMG Guidelines, 2015. Collection method: clinical testing. Allele origin: germline.

Mayo Clinic Laboratories, Mayo Clinic
Classification: Benign. Last evaluated: 2024-04-25. Review status: criteria provided, single submitter. Criteria: ACMG Guidelines, 2015. Collection method: clinical testing. Allele origin: germline. Observed: 4 variant alleles.
Comment: BS1, BS2, BP4, BP7

GeneDx
Classification: Likely benign. Last evaluated: 2017-06-01. Review status: criteria provided, single submitter. Criteria: GeneDx Variant Classification (06012015). Collection method: clinical testing. Allele origin: germline. Affected: yes.
Comment: This variant is considered likely benign or benign based on one or more of the following criteria: it is a conservative change, it occurs at a poorly conserved position in the protein, it is predicted to be benign by multiple in silico algorithms, and/or has population frequency not consistent with disease.

Center for Pediatric Genomic Medicine, Children's Mercy Hospital and Clinics
Classification: Likely benign. Last evaluated: 2017-01-09. Review status: criteria provided, single submitter. Criteria: ACMG Guidelines, 2015. Collection method: clinical testing. Allele origin: germline.
ClinVar note: Converted during submission from Likely Benign to Likely benign.

Genomic Diagnostic Laboratory, Division of Genomic Diagnostics, Children's Hospital of Philadelphia
Classification: Likely benign. Last evaluated: 2015-07-17. Review status: criteria provided, single submitter. Criteria: DGD Variant Analysis Guidelines. Collection method: clinical testing. Allele origin: unknown.

Breakthrough Genomics
Classification: Likely benign. Review status: criteria provided, single submitter. Criteria: ACMG Guidelines, 2015. Collection method: not provided. Allele origin: germline. Inheritance: Autosomal recessive inheritance. Affected: yes.